The following is an entry in ClinVar:

ClinVar aggregate classification (germline): Uncertain significance (1 of 4 stars; one submission).

Submission:

GeneDx
Classification: Uncertain significance. Last evaluated: 2020-04-27. Review status: criteria provided, single submitter. Criteria: GeneDx Variant Classification Process June 2021. Collection method: clinical testing. Allele origin: germline. Affected: yes.
Comment: Not observed in large population cohorts (Lek 2016); In silico analysis supports that this missense variant has a deleterious effect on protein structure/function; Has not been previously published as pathogenic or benign to our knowledge

NM_001042492.3(NF1):c.5303A>G (p.Glu1768Gly)

Gene: NF1 (neurofibromin 1; plus strand). Cytogenetic location: 17q11.2.
Variant type: single nucleotide variant.
Coding change: c.5303A>G on transcript NM_001042492.3 (MANE Select); coding-DNA position 5303, A replaced by G.
Protein change: p.Glu1768Gly; replaces glutamic acid 1768 with glycine.
Molecular consequence: missense variant.
Genome position (GRCh38, 1-based): chr17:31,327,533, A>G. VCF-style: chr17-31327533-A-G. GRCh37 (hg19) VCF-style: chr17-29654551-A-G.
Other names: c.5240A>G, p.Glu1747Gly (NM_000267.4); short protein forms E1747G, E1768G.
Identifiers: ClinVar variation 1317092 (VCV001317092.2), dbSNP rs2151540883, ClinGen allele CA399009034.